The following is an entry in ClinVar:

NM_001042545.2(LTBP4):c.3855G>C (p.Trp1285Cys)

Gene: LTBP4 (latent transforming growth factor beta binding protein 4; plus strand). Cytogenetic location: 19q13.2.
Variant type: single nucleotide variant.
Coding change: c.3855G>C on transcript NM_001042545.2 (MANE Select); coding-DNA position 3855, G replaced by C.
Protein change: p.Trp1285Cys; replaces tryptophan 1285 with cysteine.
Molecular consequence: missense variant.
Genome position (GRCh38, 1-based): chr19:40,625,879, G>C. VCF-style: chr19-40625879-G-C. GRCh37 (hg19) VCF-style: chr19-41131784-G-C.
Other names: c.4056G>C, p.Trp1352Cys (NM_001042544.1); c.3945G>C, p.Trp1315Cys (NM_003573.2); short protein forms W1285C, W1315C, W1352C.
Identifiers: ClinVar variation 2637316 (VCV002637316.1), dbSNP rs2515393518, ClinGen allele CA405909445.

ClinVar aggregate classification (germline): Uncertain significance (1 of 4 stars; one submission).

Conditions:
LTBP4-related disorder. Also called: LTBP4-related condition.

Submission:

PreventionGenetics, part of Exact Sciences
Classification: Uncertain significance for LTBP4-related condition. Last evaluated: 2022-10-18. Review status: criteria provided, single submitter. Criteria: ACMG Guidelines, 2015. Collection method: clinical testing. Allele origin: germline.
Comment: The LTBP4 c.3945G>C variant is predicted to result in the amino acid substitution p.Trp1315Cys. To our knowledge, this variant has not been reported in the literature or in a large population database, indicating this variant is rare. At this time, the clinical significance of this variant is uncertain due to the absence of conclusive functional and genetic evidence.